The following is an entry in ClinVar:

NM_001042492.3(NF1):c.7061del (p.Lys2354fs)

Gene: NF1 (neurofibromin 1; plus strand). Cytogenetic location: 17q11.2.
Variant type: Deletion.
Coding change: c.7061del on transcript NM_001042492.3 (MANE Select); coding-DNA position 7061, one base deleted (A; older notation c.7061delA).
Protein change: p.Lys2354fs; shifts the reading frame from lysine 2354.
Molecular consequence: frameshift variant.
Genome position (GRCh38, 1-based): chr17:31,340,644, A deleted; the last of 2 consecutive A bases (chr17:31,340,643-31,340,644); deleting either gives the same sequence. VCF-style (leftmost placement, unchanged base first): chr17-31340642-CA-C. GRCh37 (hg19) VCF-style: chr17-29667660-CA-C.
Other names: c.6998delA, p.Lys2333Argfs (NM_000267.4); c.6998delA (NM_000267.3); short protein forms K2333fs, K2354fs.
Identifiers: ClinVar variation 4036995 (VCV004036995.1).

ClinVar aggregate classification (germline): Pathogenic (1 of 4 stars; one submission).

Conditions:
Cardiovascular phenotype. Identifiers: MedGen CN230736.
Hereditary cancer-predisposing syndrome. Also called: Neoplastic Syndromes, Hereditary; Tumor predisposition; Hereditary neoplastic syndrome; Hereditary Cancer Syndrome. Identifiers: Orphanet 140162, MedGen C0027672, MeSH D009386, MONDO:0015356.

Submission:

Ambry Genetics
Classification: Pathogenic for Cardiovascular phenotype; Hereditary cancer-predisposing syndrome. Last evaluated: 2025-06-12. Review status: criteria provided, single submitter. Criteria: Ambry Variant Classification Scheme 2023. Collection method: clinical testing. Allele origin: germline.
Comment: The c.6998delA pathogenic mutation, located in coding exon 46 of the NF1 gene, results from a deletion of one nucleotide at nucleotide position 6998, causing a translational frameshift with a predicted alternate stop codon (p.K2333Rfs*42). This variant is considered to be rare based on population cohorts in the Genome Aggregation Database (gnomAD). This alteration is expected to result in loss of function by premature protein truncation or nonsense-mediated mRNA decay. As such, this alteration is interpreted as a disease-causing mutation.